The following is an entry in ClinVar:

NM_000631.5(NCF4):c.178C>T (p.Arg60Cys)

Genes: NCF4 (neutrophil cytosolic factor 4; plus strand), NCF4-AS1 (NCF4 antisense RNA 1; minus strand). Cytogenetic location: 22q12.3.
Variant type: single nucleotide variant.
Coding change: c.178C>T on transcript NM_000631.5 (MANE Select); coding-DNA position 178, C replaced by T.
Protein change: p.Arg60Cys; replaces arginine 60 with cysteine.
Molecular consequence: missense variant.
Genome position (GRCh38, 1-based): chr22:36,864,979, C>T. VCF-style: chr22-36864979-C-T. GRCh37 (hg19) VCF-style: chr22-37261021-C-T.
Other names: c.178C>T, p.Arg60Cys (NM_013416.4); short protein forms R60C.
Identifiers: ClinVar variation 970787 (VCV000970787.8), dbSNP rs183179978, ClinGen allele CA10212883.
Genomic context (GRCh38, chr22:36,864,979, plus strand): 5'-GTTTTCGTCATCGAGGTGAAGACAAAAGGAGGATCCAAGTACCTCATCTACCGCCGCTAC[C>T]GCCAGTTCCATGCTTTGCAGAGCAAGCTGGAGGAGCGCTTCGGGCCAGACAGCAAGAGCA-3'
Protein context (NP_000622.2, residues 50-70): GSKYLIYRRY[Arg60Cys]QFHALQSKLE

ClinVar aggregate classification (germline): Uncertain significance. Review status: criteria provided, multiple submitters, no conflicts (2 of 4 stars). 2 submissions from 2 submitters: Uncertain significance (2). Last evaluated 2024-11-12.

Conditions:
Granulomatous disease, chronic, autosomal recessive, cytochrome b-positive, type 3. Also called: GRANULOMATOUS DISEASE, CHRONIC, AUTOSOMAL RECESSIVE, 3; CGD, AUTOSOMAL RECESSIVE CYTOCHROME b-POSITIVE, TYPE III; Granulomatous disease, chronic, autosomal recessive, cytochrome b-positive, type III; GRANULOMATOUS DISEASE, CHRONIC, DUE TO NCF4 DEFICIENCY. Identifiers: Orphanet 379, MedGen C3151409, MONDO:0013507, OMIM 613960.

Allele frequency attached by ClinVar (database versions not stated): gnomAD 0.00002 and 0.00003; ExAC 0.00005; TOPMed 0.00005; gnomAD exomes 0.00007; ESP Exome Variant Server 0.00008; 1000 Genomes Project 0.00020; 1000 Genomes Project 30x 0.00047.

Submissions (2):

Blueprint Genetics
Classification: Uncertain significance. Last evaluated: 2024-11-12. Review status: criteria provided, single submitter. Criteria: ACMG Guidelines, 2015. Collection method: clinical testing. Allele origin: germline.

Labcorp Genetics (formerly Invitae), Labcorp
Classification: Uncertain significance for Granulomatous disease, chronic, autosomal recessive, cytochrome b-positive, type 3. Last evaluated: 2022-08-23. Review status: criteria provided, single submitter. Criteria: Invitae Variant Classification Sherloc (09022015). Collection method: clinical testing. Allele origin: germline.
Comment: This sequence change replaces arginine, which is basic and polar, with cysteine, which is neutral and slightly polar, at codon 60 of the NCF4 protein (p.Arg60Cys). This variant is present in population databases (rs183179978, gnomAD 0.09%). This variant has not been reported in the literature in individuals affected with NCF4-related conditions. ClinVar contains an entry for this variant (Variation ID: 970787). Algorithms developed to predict the effect of missense changes on protein structure and function are either unavailable or do not agree on the potential impact of this missense change (SIFT: "Deleterious"; PolyPhen-2: "Probably Damaging"; Align-GVGD: "Class C0"). In summary, the available evidence is currently insufficient to determine the role of this variant in disease. Therefore, it has been classified as a Variant of Uncertain Significance.